The following is an entry in ClinVar:

NM_001378454.1(ALMS1):c.8961T>A (p.Leu2987=)

Gene: ALMS1 (ALMS1 centrosome and basal body associated protein; plus strand). Cytogenetic location: 2p13.1.
Variant type: single nucleotide variant.
Coding change: c.8961T>A on transcript NM_001378454.1 (MANE Select); coding-DNA position 8961, T replaced by A.
Protein change: p.Leu2987=; no amino-acid change (leucine 2987 retained).
Molecular consequence: synonymous variant.
Genome position (GRCh38, 1-based): chr2:73,490,920, T>A. VCF-style: chr2-73490920-T-A. GRCh37 (hg19) VCF-style: chr2-73718047-T-A.
Other names: c.8964T>A, p.Leu2988= (NM_015120.4).
Identifiers: ClinVar variation 1104575 (VCV001104575.16), dbSNP rs201937708, ClinGen allele CA1714575.
Genomic context (GRCh38, chr2:73,490,920, plus strand): 5'-ACAATGCCAAAGCAAAGCGCCAGGTGTAGATGACCAAATGAATAAACACCATTTTCCCCT[T>A]CCTCAAGGTCAGGATTGTGTAGTGGAAAAGAATAATCAACATAAGCCTAAATCACACATT-3'
Protein context (NP_001365383.1, residues 2977-2997): DDQMNKHHFP[Leu2987=]PQGQDCVVEK

ClinVar aggregate classification (germline): Likely benign. Review status: criteria provided, multiple submitters, no conflicts (2 of 4 stars). 5 submissions from 5 submitters: Likely benign (4). 1 of the submissions does not count toward it. Last evaluated 2025-08-26.

Conditions:
Cardiovascular phenotype. Identifiers: MedGen CN230736.
Alstrom syndrome (ALMS). Identifiers: Orphanet 64, MedGen C0268425, MONDO:0008763, OMIM 203800.

Allele frequency attached by ClinVar (database versions not stated): gnomAD 0.00001; gnomAD exomes 0.00003 and 0.00005; ExAC 0.00010; 1000 Genomes Project 30x 0.00016; 1000 Genomes Project 0.00020.
gnomAD v4.1: 47 of 1,614,162 alleles (0.0029%); highest among the groups gnomAD compares: South Asian, 0.048%; no homozygotes.

Submissions (5):

Labcorp Genetics (formerly Invitae), Labcorp
Classification: Likely benign for Alstrom syndrome. Last evaluated: 2025-08-26. Review status: criteria provided, single submitter. Criteria: Invitae Variant Classification Sherloc (09022015). Collection method: clinical testing. Allele origin: germline.

Blueprint Genetics
Classification: Likely benign. Last evaluated: 2024-04-18. Review status: criteria provided, single submitter. Criteria: ACMG Guidelines, 2015. Collection method: clinical testing. Allele origin: germline.

Ambry Genetics
Classification: Likely benign for Cardiovascular phenotype. Last evaluated: 2024-02-04. Review status: criteria provided, single submitter. Criteria: Ambry Variant Classification Scheme 2023. Collection method: clinical testing. Allele origin: germline.

Women's Health and Genetics/Laboratory Corporation of America, LabCorp
Classification: Likely benign. Last evaluated: 2021-06-01. Review status: criteria provided, single submitter. Criteria: LabCorp Variant Classification Summary - May 2015. Collection method: clinical testing. Allele origin: germline.
Comment: Variant summary: ALMS1 c.8958T>A results in a synonymous change. 4/4 computational tools predict no significant impact on normal splicing. However, these predictions have yet to be confirmed by functional studies. The variant allele was found at a frequency of 5.2e-05 in 249542 control chromosomes (gnomAD). This frequency is not significantly higher than expected for a pathogenic variant in ALMS1 causing Alstrom Syndrome With Dilated Cardiomyopathy (5.2e-05 vs 0.0018), allowing no conclusion about variant significance. To our knowledge, no occurrence of c.8958T>A in individuals affected with Alstrom Syndrome With Dilated Cardiomyopathy and no experimental evidence demonstrating its impact on protein function have been reported. No clinical diagnostic laboratories have submitted clinical-significance assessments for this variant to ClinVar after 2014. Based on the evidence outlined above, the variant was classified as likely benign.

Natera, Inc.
Classification: Likely benign for Alstrom syndrome. Last evaluated: 2021-03-11. Review status: no assertion criteria provided. Collection method: clinical testing. Allele origin: germline. Not counted in ClinVar's aggregate classification.